The following is an entry in ClinVar:

NM_024529.5(CDC73):c.512+6A>C

Gene: CDC73 (cell division cycle 73; plus strand). Cytogenetic location: 1q31.2.
Variant type: single nucleotide variant.
Coding change: c.512+6A>C on transcript NM_024529.5 (MANE Select); 6 bases into the intron after coding-DNA position 512, A replaced by C.
Molecular consequence: intron variant.
Genome position (GRCh38, 1-based): chr1:193,138,179, A>C. VCF-style: chr1-193138179-A-C. GRCh37 (hg19) VCF-style: chr1-193107309-A-C.
Identifiers: ClinVar variation 2810869 (VCV002810869.3), dbSNP rs1216367951, ClinGen allele CA2739275477.

ClinVar aggregate classification (germline): Uncertain significance (1 of 4 stars; one submission).

Conditions:
Parathyroid carcinoma (PRTC). Also called: CDC73-Related Parathyroid Carcinoma; Parathyroid gland carcinoma. Identifiers: Orphanet 143, MedGen C0687150, MONDO:0012004, OMIM 608266, HP:0006780.

Submission:

Labcorp Genetics (formerly Invitae), Labcorp
Classification: Uncertain significance for Parathyroid carcinoma. Last evaluated: 2022-10-30. Review status: criteria provided, single submitter. Criteria: Invitae Variant Classification Sherloc (09022015). Collection method: clinical testing. Allele origin: germline.
Comment: In summary, the available evidence is currently insufficient to determine the role of this variant in disease. Therefore, it has been classified as a Variant of Uncertain Significance. Variants that disrupt the consensus splice site are a relatively common cause of aberrant splicing (PMID: 17576681, 9536098). Algorithms developed to predict the effect of sequence changes on RNA splicing suggest that this variant is not likely to affect RNA splicing. This sequence change falls in intron 6 of the CDC73 gene. It does not directly change the encoded amino acid sequence of the CDC73 protein. It affects a nucleotide within the consensus splice site. This variant is not present in population databases (gnomAD no frequency). This variant has not been reported in the literature in individuals affected with CDC73-related conditions.

Literature cited by the submitters: PubMed 17576681; PubMed 9536098.